The following is an entry in ClinVar:

NM_001190274.2(FBXO11):c.2338+3T>A

Gene: FBXO11 (F-box protein 11; minus strand). Cytogenetic location: 2p16.3.
Variant type: single nucleotide variant.
Coding change: c.2338+3T>A on transcript NM_001190274.2 (MANE Select); 3 bases into the intron after coding-DNA position 2338, T replaced by A.
Molecular consequence: intron variant.
Genome position (GRCh38, 1-based): chr2:47,810,313, A>T on the plus strand (T>A on the coding strand, the complement: FBXO11 is on the minus strand). VCF-style: chr2-47810313-A-T. GRCh37 (hg19) VCF-style: chr2-48037452-A-T.
Other names: c.2086+3T>A (NM_001374325.1, NM_025133.4).
Identifiers: ClinVar variation 1435714 (VCV001435714.6), dbSNP rs1348890106, ClinGen allele CA769473180.

ClinVar aggregate classification (germline): Uncertain significance (1 of 4 stars; one submission).

Allele frequency attached by ClinVar (database versions not stated): gnomAD 0.00001.
gnomAD v4.1: 2 of 1,587,650 alleles (0.00013%); highest among the groups gnomAD compares: African/African-American, 0.0027%; no homozygotes.

Submission:

Labcorp Genetics (formerly Invitae), Labcorp
Classification: Uncertain significance. Last evaluated: 2024-12-02. Review status: criteria provided, single submitter. Criteria: Invitae Variant Classification Sherloc (09022015). Collection method: clinical testing. Allele origin: germline.
Comment: This sequence change falls in intron 19 of the FBXO11 gene. It does not directly change the encoded amino acid sequence of the FBXO11 protein. It affects a nucleotide within the consensus splice site. This variant is not present in population databases (gnomAD no frequency). This variant has not been reported in the literature in individuals affected with FBXO11-related conditions. ClinVar contains an entry for this variant (Variation ID: 1435714). Variants that disrupt the consensus splice site are a relatively common cause of aberrant splicing (PMID: 17576681, 9536098). Algorithms developed to predict the effect of sequence changes on RNA splicing suggest that this variant is not likely to affect RNA splicing. In summary, the available evidence is currently insufficient to determine the role of this variant in disease. Therefore, it has been classified as a Variant of Uncertain Significance.

Literature cited by the submitters: PubMed 17576681; PubMed 9536098.